The following is an entry in ClinVar:

NM_001283009.2(RTEL1):c.1096C>A (p.Leu366Met)

Genes: RTEL1 (regulator of telomere elongation helicase 1; plus strand), RTEL1-TNFRSF6B (RTEL1-TNFRSF6B readthrough (NMD candidate); plus strand). Cytogenetic location: 20q13.33.
Variant type: single nucleotide variant.
Coding change: c.1096C>A on transcript NM_001283009.2 (MANE Select); coding-DNA position 1096, C replaced by A.
Protein change: p.Leu366Met; replaces leucine 366 with methionine.
Molecular consequence: missense variant. On other transcripts: non-coding transcript variant (1).
Genome position (GRCh38, 1-based): chr20:63,679,907, C>A. VCF-style: chr20-63679907-C-A. GRCh37 (hg19) VCF-style: chr20-62311260-C-A.
Other names: c.427C>A, p.Leu143Met (NM_001283010.1); c.1096C>A, p.Leu366Met (NM_016434.4); c.1168C>A, p.Leu390Met (NM_032957.5); short protein forms L366M, L143M, L390M.
Identifiers: ClinVar variation 4825683 (VCV004825683.1).

ClinVar aggregate classification (germline): Uncertain significance (1 of 4 stars; one submission).

Conditions:
Inborn genetic diseases. Identifiers: MedGen C0950123, MeSH D030342.

gnomAD v4.1: 3 of 1,612,444 alleles (0.00019%); highest among the groups gnomAD compares: South Asian, 0.0011%; no homozygotes.

Submission:

Ambry Genetics
Classification: Uncertain significance for Inborn genetic diseases. Last evaluated: 2026-02-17. Review status: criteria provided, single submitter. Criteria: Ambry Variant Classification Scheme 2023. Collection method: clinical testing. Allele origin: germline.
Comment: The p.L366M variant (also known as c.1096C>A), located in coding exon 12 of the RTEL1 gene, results from a C to A substitution at nucleotide position 1096. The leucine at codon 366 is replaced by methionine, an amino acid with highly similar properties. This amino acid position is conserved. In addition, this alteration is predicted to be tolerated by in silico analysis. Based on the available evidence, the clinical significance of this variant remains unclear.